The following is an entry in ClinVar:

NM_019023.5(PRMT7):c.2008del (p.Tyr670fs)

Gene: PRMT7 (protein arginine methyltransferase 7; plus strand). Cytogenetic location: 16q22.1.
Variant type: Deletion.
Coding change: c.2008del on transcript NM_019023.5 (MANE Select); coding-DNA position 2008, one base deleted (T; older notation c.2008delT).
Protein change: p.Tyr670fs; shifts the reading frame from tyrosine 670.
Molecular consequence: frameshift variant. On other transcripts: non-coding transcript variant (12).
Genome position (GRCh38, 1-based): chr16:68,357,153, T deleted. VCF-style (leftmost placement, unchanged base first): chr16-68357152-CT-C. GRCh37 (hg19) VCF-style: chr16-68391055-CT-C.
Other names: c.1858del, p.Tyr620fs (NM_001184824.4); c.2008del, p.Tyr670fs (NM_001290018.2, NM_001351143.3, NM_001378018.1); c.2011del, p.Tyr671fs (NM_001351144.3); c.1801del, p.Tyr601fs (NM_001378020.1); c.1771del, p.Tyr591fs (NM_001378021.1, NM_001378022.1, NM_001378023.1); short protein forms Y620fs, Y670fs, Y671fs, Y591fs, Y601fs.
Identifiers: ClinVar variation 4685006 (VCV004685006.1).

ClinVar aggregate classification (germline): Pathogenic (1 of 4 stars; one submission).

Conditions:
Short stature-brachydactyly-obesity-global developmental delay syndrome. Also called: Short stature, brachydactyly, intellectual developmental disability, and seizures; SHORT STATURE, BRACHYDACTYLY, IMPAIRED INTELLECTUAL DEVELOPMENT, AND SEIZURES. Identifiers: Orphanet 464288, MedGen C4310689, MONDO:0014944, OMIM 617157.

Submission:

Pharmacology & Disease Biology Lab, Ramakrishna Mission Vivekananda Centenary College
Classification: Pathogenic for Short stature-brachydactyly-obesity-global developmental delay syndrome. Last evaluated: 2025-07-12. Review status: criteria provided, single submitter. Criteria: ACMG Guidelines, 2015. Collection method: clinical testing. Allele origin: germline. Inheritance: Autosomal recessive inheritance. Affected: yes. Observed: 1 homozygote.
Comment: a novel single nucleotide deletion of the exon 19 of PRMT7 gene (chr16:g.68357153delT) resulting in a frameshift variation Tyr670Met followed with stop codon at 27th downstream codon (p.Y670MfsTer27) in homozygous condition. Since the variant was novel, “Variant Validator” was used to validate and NC_000016.10:g.68357153del variant description number was obtained. In silico analysis of this variation shows that the reported it falls under the PVS1, PM2, PM4, PP3, PP4 criteria of American College of Medical Genetics guideline, 2015 for classifying genomic variations.